The following is an entry in ClinVar:

ClinVar aggregate classification (germline): Pathogenic (1 of 4 stars; one submission).

Conditions:
Primary ciliary dyskinesia 27. Also called: CILIARY DYSKINESIA, PRIMARY, 27, WITHOUT SITUS INVERSUS. Identifiers: Orphanet 244, MedGen C3809701, MONDO:0014215, OMIM 615504.

Allele frequency attached by ClinVar (database versions not stated): ExAC 0.00001; gnomAD 0.00001; gnomAD exomes 0.00001 and 0.00002.
gnomAD v4.1: 16 of 1,614,090 alleles (0.00099%); highest among the groups gnomAD compares: South Asian, 0.018%; no homozygotes.

Submission:

Labcorp Genetics (formerly Invitae), Labcorp
Classification: Pathogenic for Ciliary dyskinesia, primary, 27. Last evaluated: 2018-12-20. Review status: criteria provided, single submitter. Criteria: Invitae Variant Classification Sherloc (09022015). Collection method: clinical testing. Allele origin: germline.
Comment: This sequence change creates a premature translational stop signal (p.Glu220*) in the CCDC65 gene. It is expected to result in an absent or disrupted protein product. This variant is present in population databases (rs776979382, ExAC 0.006%). This variant has not been reported in the literature in individuals with CCDC65-related conditions. Loss-of-function variants in CCDC65 are known to be pathogenic (PMID: 23991085). For these reasons, this variant has been classified as Pathogenic.

NM_033124.5(DRC2):c.658G>T (p.Glu220Ter)

Gene: DRC2 (dynein regulatory complex subunit 2; plus strand). Cytogenetic location: 12q13.12.
Variant type: single nucleotide variant.
Coding change: c.658G>T on transcript NM_033124.5 (MANE Select); coding-DNA position 658, G replaced by T.
Protein change: p.Glu220Ter; replaces glutamic acid 220 with a stop codon.
Molecular consequence: nonsense.
Genome position (GRCh38, 1-based): chr12:48,918,323, G>T. VCF-style: chr12-48918323-G-T. GRCh37 (hg19) VCF-style: chr12-49312106-G-T.
Other names: c.229G>T, p.Glu77Ter (NM_001286957.2); short protein forms E220*, E77*.
Identifiers: ClinVar variation 649817 (VCV000649817.1), dbSNP rs776979382, ClinGen allele CA6543302.